The following is an entry in ClinVar:

ClinVar aggregate classification (germline): Uncertain significance. Review status: criteria provided, multiple submitters, no conflicts (2 of 4 stars). 2 submissions from 2 submitters: Uncertain significance (2). Last evaluated 2024-02-10.

gnomAD v4.1: 2 of 1,614,092 alleles (0.00012%); highest among the groups gnomAD compares: East Asian, 0.0045%; no homozygotes.

Submissions (2):

Labcorp Genetics (formerly Invitae), Labcorp
Classification: Uncertain significance. Last evaluated: 2024-02-10. Review status: criteria provided, single submitter. Criteria: Invitae Variant Classification Sherloc (09022015). Collection method: clinical testing. Allele origin: germline.
Comment: This sequence change replaces methionine, which is neutral and non-polar, with leucine, which is neutral and non-polar, at codon 230 of the RP1L1 protein (p.Met230Leu). This variant is present in population databases (no rsID available, gnomAD 0.01%). This variant has not been reported in the literature in individuals affected with RP1L1-related conditions. Advanced modeling of protein sequence and biophysical properties (such as structural, functional, and spatial information, amino acid conservation, physicochemical variation, residue mobility, and thermodynamic stability) performed at Invitae indicates that this missense variant is not expected to disrupt RP1L1 protein function with a negative predictive value of 80%. In summary, the available evidence is currently insufficient to determine the role of this variant in disease. Therefore, it has been classified as a Variant of Uncertain Significance.

Blueprint Genetics
Classification: Uncertain significance. Last evaluated: 2022-08-11. Review status: criteria provided, single submitter. Criteria: ACMG Guidelines, 2015. Collection method: clinical testing. Allele origin: germline.

NM_178857.6(RP1L1):c.688A>C (p.Met230Leu)

Gene: RP1L1 (RP1 like 1). Cytogenetic location: 8p23.1.
Variant type: single nucleotide variant.
Coding change: c.688A>C on transcript NM_178857.6 (MANE Select); coding-DNA position 688, A replaced by C.
Protein change: p.Met230Leu; replaces methionine 230 with leucine.
Molecular consequence: missense variant.
Genome position (GRCh38, 1-based): chr8:10,616,509, T>G on the plus strand (A>C on the coding strand, the complement: RP1L1 is on the minus strand). VCF-style: chr8-10616509-T-G. GRCh37 (hg19) VCF-style: chr8-10474019-T-G.
Other names: short protein forms M230L.
Identifiers: ClinVar variation 3639998 (VCV003639998.3).